The following is an entry in ClinVar:

NM_000390.4(CHM):c.1349+3A>C

Gene: CHM (CHM Rab escort protein; minus strand). Cytogenetic location: Xq21.2.
Variant type: single nucleotide variant.
Coding change: c.1349+3A>C on transcript NM_000390.4 (MANE Select); 3 bases into the intron after coding-DNA position 1349, A replaced by C.
Molecular consequence: intron variant.
Genome position (GRCh38, 1-based): chrX:85,901,081, T>G on the plus strand (A>C on the coding strand, the complement: CHM is on the minus strand). VCF-style: chrX-85901081-T-G. GRCh37 (hg19) VCF-style: chrX-85156086-T-G.
Other names: c.905+3A>C (NM_001362519.1, NM_001362517.1, NM_001320959.1 and 1 more transcripts).
Identifiers: ClinVar variation 865879 (VCV000865879.5), dbSNP rs1326972655, ClinGen allele CA916082497.

ClinVar aggregate classification (germline): Conflicting classifications of pathogenicity. Review status: criteria provided, conflicting classifications (1 of 4 stars). 2 submissions from 2 submitters: Likely pathogenic (1); Uncertain significance (1). Last evaluated 2025-12-19.

Conditions:
CHM-related disorders.

Submissions (2):

Labcorp Genetics (formerly Invitae), Labcorp
Classification: Uncertain significance. Last evaluated: 2025-12-19. Review status: criteria provided, single submitter. Criteria: Invitae Variant Classification Sherloc (09022015). Collection method: clinical testing. Allele origin: germline.
Comment: This sequence change falls in intron 10 of the CHM gene. It does not directly change the encoded amino acid sequence of the CHM protein. It affects a nucleotide within the consensus splice site. This variant is not present in population databases (gnomAD no frequency). This variant has not been reported in the literature in individuals affected with CHM-related conditions. ClinVar contains an entry for this variant (Variation ID: 865879). Variants that disrupt the consensus splice site are a relatively common cause of aberrant splicing (PMID: 17576681, 9536098). Algorithms developed to predict the effect of sequence changes on RNA splicing suggest that this variant may disrupt the consensus splice site. In summary, the available evidence is currently insufficient to determine the role of this variant in disease. Therefore, it has been classified as a Variant of Uncertain Significance.

Blueprint Genetics
Classification: Likely pathogenic for CHM-related disorders. Last evaluated: 2019-02-07. Review status: criteria provided, single submitter. Criteria: ACMG Guidelines, 2015. Collection method: clinical testing. Allele origin: germline. Affected: yes. Observed: 2 variant alleles.

Literature cited by the submitters: PubMed 17576681 (cited by Labcorp Genetics (formerly Invitae), Labcorp); PubMed 9536098 (cited by Labcorp Genetics (formerly Invitae), Labcorp).